The following is an entry in ClinVar:

NM_001393769.1(MED12L):c.3548C>T (p.Thr1183Met)

Genes: MED12L (mediator complex subunit 12L; plus strand), P2RY12 (purinergic receptor P2Y12; minus strand). Cytogenetic location: 3q25.1.
Variant type: single nucleotide variant.
Coding change: c.3548C>T on transcript NM_001393769.1 (MANE Select); coding-DNA position 3548, C replaced by T.
Protein change: p.Thr1183Met; replaces threonine 1183 with methionine.
Molecular consequence: missense variant. On other transcripts: intron variant (1).
Genome position (GRCh38, 1-based): chr3:151,368,249, C>T. VCF-style: chr3-151368249-C-T. GRCh37 (hg19) VCF-style: chr3-151086037-C-T.
Other names: c.3443C>T (NM_053002.4); c.3443C>T, p.Thr1148Met (NM_053002.6); c.-180+16443G>A (NM_022788.5); short protein forms T1148M, T1183M.
Identifiers: ClinVar variation 3905250 (VCV003905250.11).

ClinVar aggregate classification (germline): Likely benign. Review status: criteria provided, multiple submitters, no conflicts (2 of 4 stars). 3 submissions from 3 submitters: Likely benign (3). Last evaluated 2025-05-05.

Conditions:
Inborn genetic diseases. Identifiers: MedGen C0950123, MeSH D030342.

gnomAD v4.1: 64 of 1,612,956 alleles (0.004%); highest among the groups gnomAD compares: Admixed American, 0.013%; no homozygotes.

Submissions (3):

Ambry Genetics
Classification: Likely benign for Inborn genetic diseases. Last evaluated: 2025-05-05. Review status: criteria provided, single submitter. Criteria: Ambry Variant Classification Scheme 2023. Collection method: clinical testing. Allele origin: germline.

CeGaT Center for Human Genetics Tuebingen
Classification: Likely benign. Last evaluated: 2025-05-01. Review status: criteria provided, single submitter. Criteria: CeGaT Center For Human Genetics Tuebingen Variant Classification Criteria Version 2. Collection method: clinical testing. Allele origin: germline. Affected: yes. Observed: 1 variant allele.
Comment: MED12L: BP4, BS2

Laboratory of Genetics, Children's Clinical University Hospital Latvia
Classification: Likely benign. Last evaluated: 2025-02-16. Review status: criteria provided, single submitter. Criteria: ACMG Guidelines, 2015. Collection method: clinical testing. Allele origin: germline. Affected: yes.